The following is an entry in ClinVar:

ClinVar aggregate classification (germline): Uncertain significance. Review status: criteria provided, multiple submitters, no conflicts (2 of 4 stars). 3 submissions from 3 submitters: Uncertain significance (3). Last evaluated 2025-02-06.

Conditions:
Immunodeficiency 25. Also called: Immunodeficiency due to defect in cd3-zeta, somatic. Identifiers: MedGen C1857798, MONDO:0012426, OMIM 610163.
CD247-related disorder. Also called: CD247-related condition.

Allele frequency attached by ClinVar (database versions not stated): ExAC 0.00005; TOPMed 0.00005; gnomAD 0.00007; gnomAD exomes 0.00007; ESP Exome Variant Server 0.00008; 1000 Genomes Project 30x 0.00016; 1000 Genomes Project 0.00020.
gnomAD v4.1: 110 of 1,614,182 alleles (0.0068%); highest among the groups gnomAD compares: Non-Finnish European, 0.0078%; no homozygotes.

Submissions (3):

Ambry Genetics
Classification: Uncertain significance. Last evaluated: 2025-02-06. Review status: criteria provided, single submitter. Criteria: Ambry Variant Classification Scheme 2023. Collection method: clinical testing. Allele origin: germline.

PreventionGenetics, part of Exact Sciences
Classification: Uncertain significance for CD247-related condition. Last evaluated: 2024-11-23. Review status: criteria provided, single submitter. Criteria: ACMG Guidelines, 2015. Collection method: clinical testing. Allele origin: germline.
Comment: The CD247 c.395G>A variant is predicted to result in the amino acid substitution p.Arg132His. To our knowledge, this variant has not been reported in the literature. This variant is reported in 0.0070% of alleles in individuals of European (Non-Finnish) descent in gnomAD. At this time, the clinical significance of this variant is uncertain due to the absence of conclusive functional and genetic evidence.

Labcorp Genetics (formerly Invitae), Labcorp
Classification: Uncertain significance for Immunodeficiency 25. Last evaluated: 2022-06-22. Review status: criteria provided, single submitter. Criteria: Invitae Variant Classification Sherloc (09022015). Collection method: clinical testing. Allele origin: germline.
Comment: This sequence change replaces arginine, which is basic and polar, with histidine, which is basic and polar, at codon 132 of the CD247 protein (p.Arg132His). This variant is present in population databases (rs201594815, gnomAD 0.008%). This variant has not been reported in the literature in individuals affected with CD247-related conditions. Algorithms developed to predict the effect of missense changes on protein structure and function are either unavailable or do not agree on the potential impact of this missense change (SIFT: "Deleterious"; PolyPhen-2: "Probably Damaging"; Align-GVGD: "Class C0"). In summary, the available evidence is currently insufficient to determine the role of this variant in disease. Therefore, it has been classified as a Variant of Uncertain Significance.

NM_198053.3(CD247):c.395G>A (p.Arg132His)

Gene: CD247 (CD247 molecule; minus strand). Cytogenetic location: 1q24.2.
Variant type: single nucleotide variant.
Coding change: c.395G>A on transcript NM_198053.3 (MANE Select); coding-DNA position 395, G replaced by A.
Protein change: p.Arg132His; replaces arginine 132 with histidine.
Molecular consequence: missense variant.
Genome position (GRCh38, 1-based): chr1:167,433,058, C>T on the plus strand (G>A on the coding strand, the complement: CD247 is on the minus strand). VCF-style: chr1-167433058-C-T. GRCh37 (hg19) VCF-style: chr1-167402295-C-T.
Other names: c.392G>A, p.Arg131His (NM_000734.4); c.488G>A, p.Arg163His (NM_001378515.1); c.485G>A, p.Arg162His (NM_001378516.1); short protein forms R132H, R163H, R131H, R162H.
Identifiers: ClinVar variation 2061545 (VCV002061545.3), dbSNP rs201594815, ClinGen allele CA1225902.